The following is an entry in ClinVar:

ClinVar aggregate classification (germline): Pathogenic (1 of 4 stars; one submission).

Conditions:
Inborn genetic diseases. Identifiers: MedGen C0950123, MeSH D030342.

Submission:

Ambry Genetics
Classification: Pathogenic for Inborn genetic diseases. Last evaluated: 2026-05-20. Review status: criteria provided, single submitter. Criteria: Ambry Variant Classification Scheme 2023. Collection method: clinical testing. Allele origin: germline.
Comment: The c.1795delC (p.R599Vfs*16) alteration, located in coding exon 10 of the CHD3 gene, consists of a deletion of one nucleotide at position 1795, causing a translational frameshift with a predicted alternate stop codon after 16 amino acids. This variant is expected to result in loss of function by premature protein truncation or nonsense-mediated mRNA decay. This variant was not reported in population-based cohorts in the Genome Aggregation Database (gnomAD). Based on the available evidence, this alteration is classified as pathogenic.

NM_001005273.3(CHD3):c.1618del (p.Arg540fs)

Gene: CHD3 (chromodomain helicase DNA binding protein 3; plus strand). Cytogenetic location: 17p13.1.
Variant type: Deletion.
Coding change: c.1618del on transcript NM_001005273.3 (MANE Select); coding-DNA position 1618, one base deleted (C; older notation c.1618delC).
Protein change: p.Arg540fs; shifts the reading frame from arginine 540.
Molecular consequence: frameshift variant.
Genome position (GRCh38, 1-based): chr17:7,895,453, C deleted; the last of 7 consecutive C bases (chr17:7,895,447-7,895,453); deleting any one gives the same sequence. VCF-style (leftmost placement, unchanged base first): chr17-7895446-AC-A. GRCh37 (hg19) VCF-style: chr17-7798764-AC-A.
Other names: c.1795del, p.Arg599fs (NM_001005271.3); c.1618del, p.Arg540fs (NM_005852.4); short protein forms R540fs, R599fs.
Identifiers: ClinVar variation 3832789 (VCV003832789.2).